The following is an entry in ClinVar:

ClinVar aggregate classification (germline): Uncertain significance (1 of 4 stars; one submission).

Submission:

Labcorp Genetics (formerly Invitae), Labcorp
Classification: Uncertain significance. Last evaluated: 2024-06-23. Review status: criteria provided, single submitter. Criteria: Invitae Variant Classification Sherloc (09022015). Collection method: clinical testing. Allele origin: germline.
Comment: This variant, c.2122_2124del, results in the deletion of 1 amino acid(s) of the ABL1 protein (p.Lys708del), but otherwise preserves the integrity of the reading frame. This variant is not present in population databases (gnomAD no frequency). This variant has not been reported in the literature in individuals affected with ABL1-related conditions. Experimental studies and prediction algorithms are not available or were not evaluated, and the functional significance of this variant is currently unknown. In summary, the available evidence is currently insufficient to determine the role of this variant in disease. Therefore, it has been classified as a Variant of Uncertain Significance.

NM_005157.6(ABL1):c.2062AAG[1] (p.Lys689del)

Gene: ABL1 (ABL proto-oncogene 1, non-receptor tyrosine kinase; plus strand). Cytogenetic location: 9q34.12.
Variant type: Microsatellite.
Coding change: c.2062AAG[1] on transcript NM_005157.6 (MANE Select); one copy of the 3-base unit AAG starting at c.2062; the reference has two copies in a row; one copy, 3 bases deleted.
Protein change: p.Lys689del; deletes lysine 689.
Genome position (GRCh38, 1-based): chr9:130,884,355-130,884,357, AAG deleted; deleting any 3 consecutive bases within chr9:130,884,351-130,884,357 gives the same sequence; the position shown is the placement nearest the transcript's 3' end. VCF-style (leftmost placement, unchanged base first): chr9-130884350-GGAA-G. GRCh37 (hg19) VCF-style: chr9-133759737-GGAA-G.
Other names: c.2119AAG[1], p.Lys708del (NM_007313.3); short protein forms K689del, K708del.
Identifiers: ClinVar variation 3698392 (VCV003698392.2).